The following is an entry in ClinVar:

NM_020975.6(RET):c.133G>A (p.Ala45Thr)

Gene: RET (ret proto-oncogene; plus strand). Cytogenetic location: 10q11.21.
Variant type: single nucleotide variant.
Coding change: c.133G>A on transcript NM_020975.6 (MANE Select); coding-DNA position 133, G replaced by A.
Protein change: p.Ala45Thr; replaces alanine 45 with threonine.
Molecular consequence: missense variant.
Genome position (GRCh38, 1-based): chr10:43,100,518, G>A. VCF-style: chr10-43100518-G-A. GRCh37 (hg19) VCF-style: chr10-43595966-G-A.
Other names: c.133G>A, p.Ala45Thr (NM_000323.2, NM_001406743.1, NM_001406744.1 and 34 more transcripts); short protein forms A45T.
Identifiers: ClinVar variation 1441566 (VCV001441566.9), dbSNP rs2132658488, ClinGen allele CA376770168.

ClinVar aggregate classification (germline): Uncertain significance (1 of 4 stars; one submission).

Conditions:
Multiple endocrine neoplasia, type 2 (MEN2). Identifiers: Orphanet 653, MedGen C4048306, MONDO:0019003. Disease mechanism: gain of function.

Submission:

Labcorp Genetics (formerly Invitae), Labcorp
Classification: Uncertain significance for Multiple endocrine neoplasia, type 2. Last evaluated: 2024-04-29. Review status: criteria provided, single submitter. Criteria: Invitae Variant Classification Sherloc (09022015). Collection method: clinical testing. Allele origin: germline.
Comment: This sequence change replaces alanine, which is neutral and non-polar, with threonine, which is neutral and polar, at codon 45 of the RET protein (p.Ala45Thr). This variant is not present in population databases (gnomAD no frequency). This variant has not been reported in the literature in individuals affected with RET-related conditions. ClinVar contains an entry for this variant (Variation ID: 1441566). An algorithm developed to predict the effect of missense changes on protein structure and function (PolyPhen-2) suggests that this variant is likely to be tolerated. In summary, the available evidence is currently insufficient to determine the role of this variant in disease. Therefore, it has been classified as a Variant of Uncertain Significance.